The following is an entry in ClinVar:

ClinVar aggregate classification (germline): Benign/Likely benign. Review status: criteria provided, multiple submitters, no conflicts (2 of 4 stars). 9 submissions from 9 submitters: Benign (3); Likely benign (6). Last evaluated 2026-02-01.

Conditions:
Familial thoracic aortic aneurysm and aortic dissection (TAAD). Also called: Thoracic aortic aneurysms and dissections. Identifiers: Orphanet 91387, MedGen C4707243, MONDO:0019625.
Shprintzen-Goldberg syndrome (SGS). Also called: SHPRINTZEN-GOLDBERG CRANIOSYNOSTOSIS SYNDROME; CRANIOSYNOSTOSIS WITH ARACHNODACTYLY AND ABDOMINAL HERNIAS; Marfanoid disorder with craniosynostosis type 1; Marfanoid craniosynostosis syndrome; Shprintzen-Goldberg marfanoid syndrome. Identifiers: Orphanet 2462, MedGen C1321551, MONDO:0008426, OMIM 182212.

Allele frequency attached by ClinVar (database versions not stated): 1000 Genomes Project 30x 0.00016; 1000 Genomes Project 0.00020; ESP Exome Variant Server 0.00031; TOPMed 0.00043; gnomAD 0.00072 and 0.00076.
gnomAD v4.1: 927 of 1,611,384 alleles (0.058%); highest among the groups gnomAD compares: Non-Finnish European, 0.06%; 2 homozygotes.

Submissions (9):

Labcorp Genetics (formerly Invitae), Labcorp
Classification: Benign for Shprintzen-Goldberg syndrome. Last evaluated: 2026-02-01. Review status: criteria provided, single submitter. Criteria: Invitae Variant Classification Sherloc (09022015). Collection method: clinical testing. Allele origin: germline.

CeGaT Center for Human Genetics Tuebingen
Classification: Likely benign. Last evaluated: 2025-12-01. Review status: criteria provided, single submitter. Criteria: CeGaT Center For Human Genetics Tuebingen Variant Classification Criteria Version 2. Collection method: clinical testing. Allele origin: germline. Affected: yes. Observed: 13 variant alleles.
Comment: SKI: BP4, BP7

Laboratory of Genetics, Children's Clinical University Hospital Latvia
Classification: Likely benign. Last evaluated: 2025-02-16. Review status: criteria provided, single submitter. Criteria: ACMG Guidelines, 2015. Collection method: clinical testing. Allele origin: germline. Affected: yes.

Blueprint Genetics
Classification: Likely benign. Last evaluated: 2024-11-25. Review status: criteria provided, single submitter. Criteria: ACMG Guidelines, 2015. Collection method: clinical testing. Allele origin: germline.

Mayo Clinic Laboratories, Mayo Clinic
Classification: Likely benign. Last evaluated: 2024-10-24. Review status: criteria provided, single submitter. Criteria: ACMG Guidelines, 2015. Collection method: clinical testing. Allele origin: germline. Observed: 1 variant allele.
Comment: BS1, BP4, BP7

ARUP Laboratories, Molecular Genetics and Genomics, ARUP Laboratories
Classification: Benign for Shprintzen-Goldberg syndrome. Last evaluated: 2024-09-16. Review status: criteria provided, single submitter. Criteria: ARUP Molecular Germline Variant Investigation Process 2024. Collection method: clinical testing. Allele origin: germline.

Ambry Genetics
Classification: Likely benign for Familial thoracic aortic aneurysm and aortic dissection. Last evaluated: 2015-11-27. Review status: criteria provided, single submitter. Criteria: Ambry Variant Classification Scheme 2023. Collection method: clinical testing. Allele origin: germline.

GeneDx
Classification: Benign. Last evaluated: 2014-12-02. Review status: criteria provided, single submitter. Criteria: GeneDx Variant Classification (06012015). Collection method: clinical testing. Allele origin: germline. Affected: yes.
Comment: This variant is considered likely benign or benign based on one or more of the following criteria: it is a conservative change, it occurs at a poorly conserved position in the protein, it is predicted to be benign by multiple in silico algorithms, and/or has population frequency not consistent with disease.

PreventionGenetics, part of Exact Sciences
Classification: Likely benign. Review status: criteria provided, single submitter. Criteria: ACMG Guidelines, 2015. Collection method: clinical testing. Allele origin: germline.

NM_003036.4(SKI):c.417C>T (p.Ile139=)

Gene: SKI (SKI proto-oncogene; plus strand). Cytogenetic location: 1p36.33.
Variant type: single nucleotide variant.
Coding change: c.417C>T on transcript NM_003036.4 (MANE Select); coding-DNA position 417, C replaced by T.
Protein change: p.Ile139=; no amino-acid change (isoleucine 139 retained).
Molecular consequence: synonymous variant.
Genome position (GRCh38, 1-based): chr1:2,229,183, C>T. VCF-style: chr1-2229183-C-T. GRCh37 (hg19) VCF-style: chr1-2160622-C-T.
Other names: p.I139I:ATC>ATT; p.Ile139=.
Identifiers: ClinVar variation 213683 (VCV000213683.57), dbSNP rs144874401, ClinGen allele CA320748.